The following is an entry in ClinVar:

NM_002945.5(RPA1):c.34-5C>A

Gene: RPA1 (replication protein A1; plus strand). Cytogenetic location: 17p13.3.
Variant type: single nucleotide variant.
Coding change: c.34-5C>A on transcript NM_002945.5 (MANE Select); 5 bases into the intron before coding-DNA position 34, C replaced by A.
Genome position (GRCh38, 1-based): chr17:1,842,798, C>A. VCF-style: chr17-1842798-C-A. GRCh37 (hg19) VCF-style: chr17-1746092-C-A.
Other names: p.?; c.-6-5C>A (NM_001355120.2); c.34-5C>A (NM_001355121.2).
Identifiers: ClinVar variation 718295 (VCV000718295.6), dbSNP rs17338572, ClinGen allele CA8275770.

ClinVar aggregate classification (germline): Benign. Review status: criteria provided, multiple submitters, no conflicts (2 of 4 stars). 3 submissions from 3 submitters: Benign (3). Last evaluated 2025-07-02.

Allele frequency attached by ClinVar (database versions not stated): 1000 Genomes Project 0.01098; gnomAD 0.01104 and 0.01178; 1000 Genomes Project 30x 0.01171; TOPMed 0.01261; ESP Exome Variant Server 0.01384; gnomAD exomes 0.00108 and 0.00290; ExAC 0.00358.
gnomAD v4.1: 3,311 of 1,613,908 alleles (0.21%); highest among the groups gnomAD compares: African/African-American, 3.9%; 66 homozygotes.

Submissions (6):

Mayo Clinic Laboratories, Mayo Clinic
Classification: Benign. Last evaluated: 2025-07-02. Review status: criteria provided, single submitter. Criteria: ACMG Guidelines, 2015. Collection method: clinical testing. Allele origin: germline. Observed: 2 variant alleles.
Comment: BA1, BP4, BP7

Labcorp Genetics (formerly Invitae), Labcorp
Classification: Benign. Last evaluated: 2018-06-05. Review status: criteria provided, single submitter. Criteria: Invitae Variant Classification Sherloc (09022015). Collection method: clinical testing. Allele origin: germline.

Breakthrough Genomics
Classification: Benign. Review status: criteria provided, single submitter. Criteria: ACMG Guidelines, 2015. Collection method: not provided. Allele origin: germline. Inheritance: Autosomal dominant inheritance. Affected: yes.

Dr. Peter K. Rogan Lab, Western University
No classification provided (evidence only). Condition: Uterine corpus endometrial carcinoma. Review status: no classification provided. Collection method: in vitro. Allele origin: not applicable. Functional consequence: retained intron. Not counted in ClinVar's aggregate classification.

Dr. Peter K. Rogan Lab, Western University
No classification provided (evidence only). Condition: Cervical cancer. Review status: no classification provided. Collection method: in vitro. Allele origin: not applicable. Functional consequence: retained intron. Not counted in ClinVar's aggregate classification.

Dr. Peter K. Rogan Lab, Western University
No classification provided (evidence only). Condition: Ovarian serous cystadenocarcinoma. Review status: no classification provided. Collection method: in vitro. Allele origin: not applicable. Functional consequence: retained intron. Not counted in ClinVar's aggregate classification.